The following is an entry in ClinVar:

ClinVar aggregate classification (germline): Uncertain significance. Review status: criteria provided, multiple submitters, no conflicts (2 of 4 stars). 2 submissions from 2 submitters: Uncertain significance (2). Last evaluated 2023-07-03.

Conditions:
Inborn genetic diseases. Identifiers: MedGen C0950123, MeSH D030342.
Rubinstein-Taybi syndrome (RSTS). Identifiers: Orphanet 783, MedGen C0035934, MONDO:0019188.

Submissions (2):

Labcorp Genetics (formerly Invitae), Labcorp
Classification: Uncertain significance for Rubinstein-Taybi syndrome. Last evaluated: 2023-07-03. Review status: criteria provided, single submitter. Criteria: Invitae Variant Classification Sherloc (09022015). Collection method: clinical testing. Allele origin: germline.
Comment: This sequence change replaces tryptophan, which is neutral and slightly polar, with serine, which is neutral and polar, at codon 1745 of the CREBBP protein (p.Trp1745Ser). This variant is not present in population databases (gnomAD no frequency). This variant has not been reported in the literature in individuals affected with CREBBP-related conditions. ClinVar contains an entry for this variant (Variation ID: 2227769). Advanced modeling of protein sequence and biophysical properties (such as structural, functional, and spatial information, amino acid conservation, physicochemical variation, residue mobility, and thermodynamic stability) has been performed at Invitae for this missense variant, however the output from this modeling did not meet the statistical confidence thresholds required to predict the impact of this variant on CREBBP protein function. In summary, the available evidence is currently insufficient to determine the role of this variant in disease. Therefore, it has been classified as a Variant of Uncertain Significance.

Ambry Genetics
Classification: Uncertain significance for Inborn genetic diseases. Last evaluated: 2020-11-04. Review status: criteria provided, single submitter. Criteria: Ambry Variant Classification Scheme 2023. Collection method: clinical testing. Allele origin: germline.
Comment: The c.5234G>C (p.W1745S) alteration is located in exon 31 (coding exon 31) of the CREBBP gene. This alteration results from a G to C substitution at nucleotide position 5234, causing the tryptophan (W) at amino acid position 1745 to be replaced by a serine (S). Based on data from the Genome Aggregation Database (gnomAD), the CREBBP c.5234G>C alteration was not observed, with coverage at this position. This amino acid position is highly conserved in available vertebrate species. The in silico prediction for the p.W1745S alteration is inconclusive. Based on insufficient or conflicting evidence, the clinical significance of this alteration remains unclear.

NM_004380.3(CREBBP):c.5234G>C (p.Trp1745Ser)

Gene: CREBBP (CREB binding lysine acetyltransferase; minus strand). Cytogenetic location: 16p13.3.
Variant type: single nucleotide variant.
Coding change: c.5234G>C on transcript NM_004380.3 (MANE Select); coding-DNA position 5234, G replaced by C.
Protein change: p.Trp1745Ser; replaces tryptophan 1745 with serine.
Molecular consequence: missense variant.
Genome position (GRCh38, 1-based): chr16:3,729,813, C>G on the plus strand (G>C on the coding strand, the complement: CREBBP is on the minus strand). VCF-style: chr16-3729813-C-G. GRCh37 (hg19) VCF-style: chr16-3779814-C-G.
Other names: c.5120G>C, p.Trp1707Ser (NM_001079846.1); short protein forms W1707S, W1745S.
Identifiers: ClinVar variation 2227769 (VCV002227769.5), dbSNP rs2548351633, ClinGen allele CA394557564.
Genomic context (GRCh38, chr16:3,729,813, plus strand): 5'-TGGGGGCTCTTTGACTGTGGCTCGCCCTGGCTGCTGCCCTCGTCATCCAGGCCCAGCCCC[C>G]ACTTCACCATCTTATGGGCATGGCTCTTCGTGTTATAGCAGTTGATGCAGAGGTCGTAGT-3'
Protein context (NP_004371.2, residues 1735-1755): TKSHAHKMVK[Trp1745Ser]GLGLDDEGSS